The following is an entry in ClinVar:

ClinVar aggregate classification (germline): Uncertain significance (1 of 4 stars; one submission).

Conditions:
Hereditary cancer-predisposing syndrome. Also called: Hereditary Cancer Syndrome; Tumor predisposition; Hereditary neoplastic syndrome; Neoplastic Syndromes, Hereditary. Identifiers: Orphanet 140162, MedGen C0027672, MeSH D009386, MONDO:0015356.
Cardiovascular phenotype. Identifiers: MedGen CN230736.

Submission:

Ambry Genetics
Classification: Uncertain significance for Cardiovascular phenotype; Hereditary cancer-predisposing syndrome. Last evaluated: 2024-10-11. Review status: criteria provided, single submitter. Criteria: Ambry Variant Classification Scheme 2023. Collection method: clinical testing. Allele origin: germline.
Comment: The p.I1975V variant (also known as c.5923A>G), located in coding exon 39 of the NF1 gene, results from an A to G substitution at nucleotide position 5923. The isoleucine at codon 1975 is replaced by valine, an amino acid with highly similar properties. This amino acid position is conserved. In addition, the in silico prediction for this alteration is inconclusive. Based on the available evidence, the clinical significance of this variant remains unclear.

NM_001042492.3(NF1):c.5986A>G (p.Ile1996Val)

Gene: NF1 (neurofibromin 1; plus strand). Cytogenetic location: 17q11.2.
Variant type: single nucleotide variant.
Coding change: c.5986A>G on transcript NM_001042492.3 (MANE Select); coding-DNA position 5986, A replaced by G.
Protein change: p.Ile1996Val; replaces isoleucine 1996 with valine.
Molecular consequence: missense variant.
Genome position (GRCh38, 1-based): chr17:31,335,011, A>G. VCF-style: chr17-31335011-A-G. GRCh37 (hg19) VCF-style: chr17-29662029-A-G.
Other names: c.5923A>G, p.Ile1975Val (NM_000267.4); short protein forms I1975V, I1996V.
Identifiers: ClinVar variation 3404789 (VCV003404789.1).
Genomic context (GRCh38, chr17:31,335,011, plus strand): 5'-GACAAGCTGATAACAATGACCATCAATGAAAAACAGATGTACCCATCTATTCAAGCAAAA[A>G]TATGGGGAAGCCTTGGGCAGGTATTGAGTTTGCTCAAATATTTATCTAGTATCTCCTTTG-3'
Protein context (NP_001035957.1, residues 1986-2006): KQMYPSIQAK[Ile1996Val]WGSLGQITDL